The following is an entry in ClinVar:

ClinVar aggregate classification (germline): Uncertain significance (1 of 4 stars; one submission).

Conditions:
Methylcobalamin deficiency type cblE (HMAE). Also called: HOMOCYSTINURIA-MEGALOBLASTIC ANEMIA, cblE COMPLEMENTATION TYPE; VITAMIN B12-RESPONSIVE HOMOCYSTINURIA, cblE TYPE; HOMOCYSTINURIA-MEGALOBLASTIC ANEMIA, cblE TYPE. Identifiers: Orphanet 2169, Orphanet 622, MedGen C1856057, MONDO:0009354, OMIM 236270.

Allele frequency attached by ClinVar (database versions not stated): 1000 Genomes Project 30x 0.00016; 1000 Genomes Project 0.00020.
gnomAD v4.1: 16 of 1,613,790 alleles (0.00099%); highest among the groups gnomAD compares: East Asian, 0.0022%; no homozygotes.

Submission:

Labcorp Genetics (formerly Invitae), Labcorp
Classification: Uncertain significance for Methylcobalamin deficiency type cblE. Last evaluated: 2022-10-24. Review status: criteria provided, single submitter. Criteria: Invitae Variant Classification Sherloc (09022015). Collection method: clinical testing. Allele origin: germline.
Comment: This sequence change replaces alanine, which is neutral and non-polar, with threonine, which is neutral and polar, at codon 166 of the MTRR protein (p.Ala166Thr). This variant is present in population databases (rs114253881, gnomAD 0.006%). This variant has not been reported in the literature in individuals affected with MTRR-related conditions. Advanced modeling of protein sequence and biophysical properties (such as structural, functional, and spatial information, amino acid conservation, physicochemical variation, residue mobility, and thermodynamic stability) performed at Invitae indicates that this missense variant is not expected to disrupt MTRR protein function. In summary, the available evidence is currently insufficient to determine the role of this variant in disease. Therefore, it has been classified as a Variant of Uncertain Significance.

NM_002454.3(MTRR):c.496G>A (p.Ala166Thr)

Gene: MTRR (5-methyltetrahydrofolate-homocysteine methyltransferase reductase; plus strand). Cytogenetic location: 5p15.31.
Variant type: single nucleotide variant.
Coding change: c.496G>A on transcript NM_002454.3 (MANE Select); coding-DNA position 496, G replaced by A.
Protein change: p.Ala166Thr; replaces alanine 166 with threonine.
Molecular consequence: missense variant. On other transcripts: non-coding transcript variant (14).
Genome position (GRCh38, 1-based): chr5:7,878,038, G>A. VCF-style: chr5-7878038-G-A. GRCh37 (hg19) VCF-style: chr5-7878151-G-A.
Other names: c.496G>A, p.Ala166Thr (NM_001364440.2, NM_001364441.2, NM_001364442.2 and 1 more transcripts); short protein forms A166T.
Identifiers: ClinVar variation 2161812 (VCV002161812.1), dbSNP rs114253881, ClinGen allele CA3195615.